The following is an entry in ClinVar:

NM_007294.4(BRCA1):c.5332+18C>G

Gene: BRCA1 (BRCA1 DNA repair associated; minus strand). Cytogenetic location: 17q21.31.
Variant type: single nucleotide variant.
Coding change: c.5332+18C>G on transcript NM_007294.4 (MANE Select); 18 bases into the intron after coding-DNA position 5332, C replaced by G.
Molecular consequence: intron variant.
Genome position (GRCh38, 1-based): chr17:43,051,045, G>C on the plus strand (C>G on the coding strand, the complement: BRCA1 is on the minus strand). VCF-style: chr17-43051045-G-C. GRCh37 (hg19) VCF-style: chr17-41203062-G-C.
Other names: c.1879+18C>G (NM_001408458.1, NM_001408461.1, NM_001408464.1 and 7 more transcripts); c.4441+18C>G (NM_001407967.1); c.4951+18C>G (NM_001407959.1); c.5065+18C>G (NM_001407931.1, NM_001407932.1, NM_001407928.1 and 4 more transcripts); c.5188+18C>G (NM_001407747.1, NM_001407745.1, NM_001407737.1 and 21 more transcripts); c.4948+18C>G (NM_001407962.1, NM_001407960.1); c.1519+18C>G (NM_001408512.1); c.1642+18C>G (NM_001408510.1); and 74 more.
Identifiers: ClinVar variation 865613 (VCV000865613.3), dbSNP rs1567760469, ClinGen allele CA916080971.
Genomic context (GRCh38, chr17:43,051,045, plus strand): 5'-GTGGGATCTTGCTTATAATACTCCACTATGTAAGACAAAGGCTGGTGCTGGAACTCTGGG[G>C]TTCTCCCAGGCTCTTACCTGTGGGCATGTTGGTGAAGGGCCCATAGCAACAGATTTCTAG-3'

Conditions:
Breast-ovarian cancer, familial, susceptibility to, 1 (BROVCA1). Also called: BRCA1 Hereditary Breast and Ovarian Cancer; OVARIAN CANCER, SUSCEPTIBILITY TO. Identifiers: Orphanet 145, MedGen C2676676, MONDO:0011450, OMIM 604370. Disease mechanism: loss of function.

Submission:

Brotman Baty Institute, University of Washington
No classification provided (evidence only). Condition: Breast-ovarian cancer, familial 1. Review status: no classification provided. Collection method: in vitro. Allele origin: not applicable. Functional consequence: functionally_normal.
ClinVar note: "not provided" was previously submitted as the classification for the variant. However, the classification appeared to be based only on an observation of functional data so it was converted to no classification on 2025-07-30.